The following is an entry in ClinVar:

ClinVar aggregate classification (germline): Uncertain significance (1 of 4 stars; one submission).

Submission:

Labcorp Genetics (formerly Invitae), Labcorp
Classification: Uncertain significance. Last evaluated: 2026-01-14. Review status: criteria provided, single submitter. Criteria: Invitae Variant Classification Sherloc (09022015). Collection method: clinical testing. Allele origin: germline.
Comment: This sequence change replaces leucine, which is neutral and non-polar, with glutamine, which is neutral and polar, at codon 10 of the BGN protein (p.Leu10Gln). This variant is not present in population databases (gnomAD no frequency). This variant has not been reported in the literature in individuals affected with BGN-related conditions. An algorithm developed to predict the effect of missense changes on protein structure and function (PolyPhen-2) suggests that this variant is likely to be tolerated. In summary, the available evidence is currently insufficient to determine the role of this variant in disease. Therefore, it has been classified as a Variant of Uncertain Significance.

NM_001711.6(BGN):c.29T>A (p.Leu10Gln)

Gene: BGN (biglycan; plus strand). Cytogenetic location: Xq28.
Variant type: single nucleotide variant.
Coding change: c.29T>A on transcript NM_001711.6 (MANE Select); coding-DNA position 29, T replaced by A.
Protein change: p.Leu10Gln; replaces leucine 10 with glutamine.
Molecular consequence: missense variant.
Genome position (GRCh38, 1-based): chrX:153,504,660, T>A. VCF-style: chrX-153504660-T-A. GRCh37 (hg19) VCF-style: chrX-152770118-T-A.
Other names: short protein forms L10Q.
Identifiers: ClinVar variation 4735418 (VCV004735418.1).